The following is an entry in ClinVar:

ClinVar aggregate classification (germline): Uncertain significance (1 of 4 stars; one submission).

Conditions:
Inborn genetic diseases. Identifiers: MedGen C0950123, MeSH D030342.

gnomAD v4.1: 3 of 1,447,180 alleles (0.00021%); highest among the groups gnomAD compares: Non-Finnish European, 0.00027%; no homozygotes.

Submission:

Ambry Genetics
Classification: Uncertain significance for Inborn genetic diseases. Last evaluated: 2025-06-16. Review status: criteria provided, single submitter. Criteria: Ambry Variant Classification Scheme 2023. Collection method: clinical testing. Allele origin: germline.
Comment: The p.R219H variant (also known as c.656G>A), located in coding exon 1 of the SH2B3 gene, results from a G to A substitution at nucleotide position 656. The arginine at codon 219 is replaced by histidine, an amino acid with highly similar properties. This amino acid position is conserved. In addition, this alteration is predicted to be tolerated by in silico analysis. Based on the available evidence, the clinical significance of this variant remains unclear.

NM_005475.3(SH2B3):c.656G>A (p.Arg219His)

Gene: SH2B3 (SH2B adaptor protein 3; plus strand). Cytogenetic location: 12q24.12.
Variant type: single nucleotide variant.
Coding change: c.656G>A on transcript NM_005475.3 (MANE Select); coding-DNA position 656, G replaced by A.
Protein change: p.Arg219His; replaces arginine 219 with histidine.
Molecular consequence: missense variant.
Genome position (GRCh38, 1-based): chr12:111,418,801, G>A. VCF-style: chr12-111418801-G-A. GRCh37 (hg19) VCF-style: chr12-111856605-G-A.
Other names: short protein forms R219H.
Identifiers: ClinVar variation 4163896 (VCV004163896.1).